The following is an entry in ClinVar:

NM_001273.5(CHD4):c.2856G>A (p.Pro952=)

Gene: CHD4 (chromodomain helicase DNA binding protein 4; minus strand). Cytogenetic location: 12p13.31.
Variant type: single nucleotide variant.
Coding change: c.2856G>A on transcript NM_001273.5 (MANE Select); coding-DNA position 2856, G replaced by A.
Protein change: p.Pro952=; no amino-acid change (proline 952 retained).
Molecular consequence: synonymous variant.
Genome position (GRCh38, 1-based): chr12:6,592,485, C>T on the plus strand (G>A on the coding strand, the complement: CHD4 is on the minus strand). VCF-style: chr12-6592485-C-T. GRCh37 (hg19) VCF-style: chr12-6701651-C-T.
Other names: c.2835G>A, p.Pro945= (NM_001297553.2); c.2817G>A, p.Pro939= (NM_001363606.2).
Identifiers: ClinVar variation 3040982 (VCV003040982.3), dbSNP rs147796962, ClinGen allele CA6411889.

ClinVar aggregate classification (germline): Likely benign. Review status: criteria provided, single submitter (1 of 4 stars). 2 submissions from 2 submitters: Likely benign (1). 1 of the submissions does not count toward it. Last evaluated 2021-09-02.

Conditions:
CHD4-related disorder. Also called: CHD4-related condition.

Allele frequency attached by ClinVar (database versions not stated): ExAC 0.00003; TOPMed 0.00003; gnomAD 0.00007; ESP Exome Variant Server 0.00008.
gnomAD v4.1: 88 of 1,611,924 alleles (0.0055%); highest among the groups gnomAD compares: African/African-American, 0.008%; no homozygotes.

Submissions (2):

Blueprint Genetics
Classification: Likely benign. Last evaluated: 2021-09-02. Review status: criteria provided, single submitter. Criteria: ACMG Guidelines, 2015. Collection method: clinical testing. Allele origin: germline.

PreventionGenetics, part of Exact Sciences
Classification: Likely benign for CHD4-related condition. Last evaluated: 2019-09-17. Review status: no assertion criteria provided. Collection method: clinical testing. Allele origin: germline. Not counted in ClinVar's aggregate classification.
Comment: This variant is classified as likely benign based on ACMG/AMP sequence variant interpretation guidelines (Richards et al. 2015 PMID: 25741868, with internal and published modifications).